The following is an entry in ClinVar:

NM_024642.5(GALNT12):c.1736G>T (p.Arg579Leu)

Gene: GALNT12 (polypeptide N-acetylgalactosaminyltransferase 12; plus strand). Cytogenetic location: 9q22.33.
Variant type: single nucleotide variant.
Coding change: c.1736G>T on transcript NM_024642.5 (MANE Select); coding-DNA position 1736, G replaced by T.
Protein change: p.Arg579Leu; replaces arginine 579 with leucine.
Molecular consequence: missense variant.
Genome position (GRCh38, 1-based): chr9:98,849,082, G>T. VCF-style: chr9-98849082-G-T. GRCh37 (hg19) VCF-style: chr9-101611364-G-T.
Other names: short protein forms R579L.
Identifiers: ClinVar variation 1779087 (VCV001779087.3), dbSNP rs367620732, ClinGen allele CA5154358.

ClinVar aggregate classification (germline): Uncertain significance (1 of 4 stars; one submission).

gnomAD v4.1: 1 of 1,614,142 alleles (0.000062%); no homozygotes.

Submission:

Ambry Genetics
Classification: Uncertain significance. Last evaluated: 2024-07-13. Review status: criteria provided, single submitter. Criteria: Ambry Variant Classification Scheme 2023. Collection method: clinical testing. Allele origin: germline.
Comment: The p.R579L variant (also known as c.1736G>T), located in coding exon 10 of the GALNT12 gene, results from a G to T substitution at nucleotide position 1736. The arginine at codon 579 is replaced by leucine, an amino acid with dissimilar properties. This amino acid position is conserved. In addition, this alteration is predicted to be tolerated by in silico analysis. Since supporting evidence is limited at this time, the clinical significance of this alteration remains unclear.